The following is an entry in ClinVar:

NM_021729.6(VPS11):c.1085A>T (p.Glu362Val)

Gene: VPS11 (VPS11 core subunit of CORVET and HOPS complexes; plus strand). Cytogenetic location: 11q23.3.
Variant type: single nucleotide variant.
Coding change: c.1085A>T on transcript NM_021729.6 (MANE Select); coding-DNA position 1085, A replaced by T.
Protein change: p.Glu362Val; replaces glutamic acid 362 with valine.
Molecular consequence: missense variant. On other transcripts: non-coding transcript variant (4).
Genome position (GRCh38, 1-based): chr11:119,073,398, A>T. VCF-style: chr11-119073398-A-T. GRCh37 (hg19) VCF-style: chr11-118944108-A-T.
Other names: c.1055A>T, p.Glu352Val (NM_001290185.2); c.1097A>T, p.Glu366Val (NM_001378218.1); c.1085A>T, p.Glu362Val (NM_001378219.1, NM_001378220.1); c.1067A>T, p.Glu356Val (NM_001378221.1); short protein forms E356V, E362V, E366V, E352V.
Identifiers: ClinVar variation 1032881 (VCV001032881.1), dbSNP rs1945475034, ClinGen allele CA382969776.
Genomic context (GRCh38, chr11:119,073,398, plus strand): 5'-TGCTGACGCGGGATGGGCGGGTCCACGCACTGCAGGAGAAGGACACACAGACCAAACTGG[A>T]GGCAAGGCCACCAGGCTCGCAGAGCTGGCCACAGGCACCTAGAAGCAGCTGCAGGAGCAG-3'
Protein context (NP_068375.3, residues 352-372): LQEKDTQTKL[Glu362Val]MLFKKNLFEM

ClinVar aggregate classification (germline): Uncertain significance (1 of 4 stars; one submission).

Conditions:
Leukodystrophy, hypomyelinating, 12. Identifiers: Orphanet 466934, MedGen C4225247, MONDO:0014732, OMIM 616683.

Submission:

Baylor Genetics
Classification: Uncertain significance for Leukodystrophy, hypomyelinating, 12. Last evaluated: 2018-01-27. Review status: criteria provided, single submitter. Criteria: ACMG Guidelines, 2015. Collection method: clinical testing. Allele origin: maternal. Affected: yes.
Comment: This variant was determined to be of uncertain significance according to ACMG Guidelines, 2015 [PMID:25741868].